The following is an entry in ClinVar:

NM_006267.5(RANBP2):c.6272C>T (p.Thr2091Ile)

Gene: RANBP2 (RAN binding protein 2; plus strand). Cytogenetic location: 2q13.
Variant type: single nucleotide variant.
Coding change: c.6272C>T on transcript NM_006267.5 (MANE Select); coding-DNA position 6272, C replaced by T.
Protein change: p.Thr2091Ile; replaces threonine 2091 with isoleucine.
Molecular consequence: missense variant.
Genome position (GRCh38, 1-based): chr2:108,766,811, C>T. VCF-style: chr2-108766811-C-T. GRCh37 (hg19) VCF-style: chr2-109383267-C-T.
Other names: short protein forms T2091I.
Identifiers: ClinVar variation 565799 (VCV000565799.11), dbSNP rs1558925587, ClinGen allele CA348075101.

ClinVar aggregate classification (germline): Uncertain significance (1 of 4 stars; one submission).

Conditions:
Familial acute necrotizing encephalopathy (IIAE3). Also called: ENCEPHALOPATHY, ACUTE, INFECTION-INDUCED, SUSCEPTIBILITY TO, 3; Susceptibility to Acute Necrotizing Encephalopathy 1. Identifiers: Orphanet 88619, MedGen C2675556, MONDO:0011953, OMIM 608033.

Allele frequency attached by ClinVar (database versions not stated): TOPMed below 0.00001; gnomAD 0.00001.

Submission:

Labcorp Genetics (formerly Invitae), Labcorp
Classification: Uncertain significance for Familial acute necrotizing encephalopathy. Last evaluated: 2022-08-23. Review status: criteria provided, single submitter. Criteria: Invitae Variant Classification Sherloc (09022015). Collection method: clinical testing. Allele origin: germline.
Comment: In summary, the available evidence is currently insufficient to determine the role of this variant in disease. Therefore, it has been classified as a Variant of Uncertain Significance. Algorithms developed to predict the effect of missense changes on protein structure and function (SIFT, PolyPhen-2, Align-GVGD) all suggest that this variant is likely to be disruptive. ClinVar contains an entry for this variant (Variation ID: 565799). This variant has not been reported in the literature in individuals affected with RANBP2-related conditions. This variant is not present in population databases (gnomAD no frequency). This sequence change replaces threonine, which is neutral and polar, with isoleucine, which is neutral and non-polar, at codon 2091 of the RANBP2 protein (p.Thr2091Ile).